The following is an entry in ClinVar:

NM_020366.4(RPGRIP1):c.375A>G (p.Gln125=)

Gene: RPGRIP1 (RPGR interacting protein 1; plus strand). Cytogenetic location: 14q11.2.
Variant type: single nucleotide variant.
Coding change: c.375A>G on transcript NM_020366.4 (MANE Select); coding-DNA position 375, A replaced by G.
Protein change: p.Gln125=; no amino-acid change (glutamine 125 retained).
Molecular consequence: synonymous variant.
Genome position (GRCh38, 1-based): chr14:21,301,122, A>G. VCF-style: chr14-21301122-A-G. GRCh37 (hg19) VCF-style: chr14-21769281-A-G.
Other names: c.375A>G (NM_020366.3).
Identifiers: ClinVar variation 1136322 (VCV001136322.12), dbSNP rs372557648, ClinGen allele CA7088645.
Genomic context (GRCh38, chr14:21,301,122, plus strand): 5'-GAAGGCGGGATGGCGGCAGCGCCTCTCCATGCACCAGCGCCCCCAGATGCACCGACTGCA[A>G]GGGCATTTCCACTGCGTCGGCCCTGCCAGCCCCCGCCGCGCCCAGCCTCGCGTCCAAGTG-3'
Protein context (NP_065099.3, residues 115-135): MHQRPQMHRL[Gln125=]GHFHCVGPAS

ClinVar aggregate classification (germline): Likely benign. Review status: criteria provided, multiple submitters, no conflicts (2 of 4 stars). 3 submissions from 3 submitters: Likely benign (2). 1 of the submissions does not count toward it. Last evaluated 2026-01-24.

Conditions:
RPGRIP1-related disorder. Also called: RPGRIP1-related condition.
Cone-rod dystrophy 13 (CORD13). Identifiers: Orphanet 1872, MedGen C2750720, MONDO:0011987, OMIM 608194.
Leber congenital amaurosis 6 (LCA6). Identifiers: Orphanet 65, MedGen C1854260, MONDO:0013446, OMIM 613826.

Allele frequency attached by ClinVar (database versions not stated): TOPMed 0.00007; ESP Exome Variant Server 0.00008; gnomAD exomes 0.00008 and 0.00010; gnomAD 0.00009; ExAC 0.00012.
gnomAD v4.1: 128 of 1,607,134 alleles (0.008%); highest among the groups gnomAD compares: Non-Finnish European, 0.01%; no homozygotes.

Submissions (3):

Labcorp Genetics (formerly Invitae), Labcorp
Classification: Likely benign for Leber congenital amaurosis 6; Cone-rod dystrophy 13. Last evaluated: 2026-01-24. Review status: criteria provided, single submitter. Criteria: Invitae Variant Classification Sherloc (09022015). Collection method: clinical testing. Allele origin: germline.

Blueprint Genetics
Classification: Likely benign. Last evaluated: 2024-11-08. Review status: criteria provided, single submitter. Criteria: ACMG Guidelines, 2015. Collection method: clinical testing. Allele origin: germline.

PreventionGenetics, part of Exact Sciences
Classification: Likely benign for RPGRIP1-related condition. Last evaluated: 2020-09-15. Review status: no assertion criteria provided. Collection method: clinical testing. Allele origin: germline. Not counted in ClinVar's aggregate classification.
Comment: This variant is classified as likely benign based on ACMG/AMP sequence variant interpretation guidelines (Richards et al. 2015 PMID: 25741868, with internal and published modifications).